The following is an entry in ClinVar:

ClinVar aggregate classification (germline): Uncertain significance (1 of 4 stars; one submission).

Conditions:
TET3-related disorder. Also called: TET3-Related Disease; TET3-related condition.

gnomAD v4.1: 1 of 1,614,002 alleles (0.000062%); highest among the groups gnomAD compares: Non-Finnish European, 0.000085%; no homozygotes.

Submission:

PreventionGenetics, part of Exact Sciences
Classification: Uncertain significance for TET3-related condition. Last evaluated: 2026-03-27. Review status: criteria provided, single submitter. Criteria: ACMG Guidelines, 2015. Collection method: clinical testing. Allele origin: germline.
Comment: The TET3 c.1405A>G variant is predicted to result in the amino acid substitution p.Ser469Gly. To our knowledge, this variant has not been reported in the literature or in a large population database (gnomAD), indicating this variant is rare. At this time, the clinical significance of this variant is uncertain due to the absence of conclusive functional and genetic evidence.

NM_001287491.2(TET3):c.1405A>G (p.Ser469Gly)

Gene: TET3 (tet methylcytosine dioxygenase 3; plus strand). Cytogenetic location: 2p13.1.
Variant type: single nucleotide variant.
Coding change: c.1405A>G on transcript NM_001287491.2 (MANE Select); coding-DNA position 1405, A replaced by G.
Protein change: p.Ser469Gly; replaces serine 469 with glycine.
Molecular consequence: missense variant.
Genome position (GRCh38, 1-based): chr2:74,047,322, A>G. VCF-style: chr2-74047322-A-G. GRCh37 (hg19) VCF-style: chr2-74274449-A-G.
Other names: c.1126A>G, p.Ser376Gly (NM_001366022.1); short protein forms S376G, S469G.
Identifiers: ClinVar variation 4993856 (VCV004993856.1).